The following is an entry in ClinVar:

ClinVar aggregate classification (germline): Uncertain significance. Review status: criteria provided, multiple submitters, no conflicts (2 of 4 stars). 2 submissions from 2 submitters: Uncertain significance (2). Last evaluated 2024-02-05.

Conditions:
Familial thoracic aortic aneurysm and aortic dissection (TAAD). Also called: Thoracic aortic aneurysms and dissections. Identifiers: Orphanet 91387, MedGen C4707243, MONDO:0019625.
Marfan syndrome (MFS). Also called: MARFAN SYNDROME, TYPE I; Marfan syndrome type 1; Marfan's syndrome; Marfan syndrome, classic; FBN1-Related Marfan Syndrome. Identifiers: Orphanet 284963, Orphanet 558, MedGen C0024796, MONDO:0007947, OMIM 154700.

Submissions (2):

All of Us Research Program, National Institutes of Health
Classification: Uncertain significance for Marfan syndrome. Last evaluated: 2024-02-05. Review status: criteria provided, single submitter. Criteria: ACMG Guidelines, 2015. Collection method: clinical testing. Allele origin: germline. Inheritance: Autosomal dominant inheritance. Observed: 1 variant allele, 1 heterozygote.
Comment: This missense variant replaces methionine with isoleucine at codon 2244 of the FBN1 protein. Computational prediction is inconclusive regarding the impact of this variant on protein structure and function (internally defined REVEL score threshold 0.5 < inconclusive < 0.7, PMID: 27666373). To our knowledge, functional studies have not been reported for this variant. This variant has not been reported in individuals affected with FBN1-related disorders in the literature. This variant has not been identified in the general population by the Genome Aggregation Database (gnomAD). The available evidence is insufficient to determine the role of this variant in disease conclusively. Therefore, this variant is classified as a Variant of Uncertain Significance.

This study involves interpretation of variants in research participants for the purpose of population health screening. Participant phenotype was not available at the time of variant classification. Additional details can be found in publication PMID: 35346344, PMCID: PMC8962531

Color Diagnostics, LLC DBA Color Health
Classification: Uncertain significance for Familial thoracic aortic aneurysm and aortic dissection. Last evaluated: 2024-01-29. Review status: criteria provided, single submitter. Criteria: ACMG Guidelines, 2015. Collection method: clinical testing. Allele origin: germline.
Comment: This missense variant replaces methionine with isoleucine at codon 2244 of the FBN1 protein. Computational prediction is inconclusive regarding the impact of this variant on protein structure and function. To our knowledge, functional studies have not been reported for this variant. This variant has not been reported in individuals affected with FBN1-related disorders in the literature. This variant has not been identified in the general population by the Genome Aggregation Database (gnomAD). The available evidence is insufficient to determine the role of this variant in disease conclusively. Therefore, this variant is classified as a Variant of Uncertain Significance.

NM_000138.5(FBN1):c.6732G>C (p.Met2244Ile)

Gene: FBN1 (fibrillin 1; minus strand). Cytogenetic location: 15q21.1.
Variant type: single nucleotide variant.
Coding change: c.6732G>C on transcript NM_000138.5 (MANE Select); coding-DNA position 6732, G replaced by C.
Protein change: p.Met2244Ile; replaces methionine 2244 with isoleucine.
Molecular consequence: missense variant.
Genome position (GRCh38, 1-based): chr15:48,432,873, C>G on the plus strand (G>C on the coding strand, the complement: FBN1 is on the minus strand). VCF-style: chr15-48432873-C-G. GRCh37 (hg19) VCF-style: chr15-48725070-C-G.
Other names: c.6732G>C, p.Met2244Ile (NM_001406716.1); short protein forms M2244I.
Identifiers: ClinVar variation 3075471 (VCV003075471.2), dbSNP rs780960909, ClinGen allele CA392333201.